The following is an entry in ClinVar:

NC_000022.10:g.(?_29121102)_(29125325_?)del

Gene: CHEK2 (checkpoint kinase 2; minus strand). Cytogenetic location: 22q12.1.
Variant type: Deletion.
Identifiers: ClinVar variation 1458697 (VCV001458697.5).

ClinVar aggregate classification (germline): Pathogenic (1 of 4 stars; one submission).

Conditions:
Familial cancer of breast. Also called: BREAST CANCER, FAMILIAL; hereditary breast carcinoma; Hereditary breast cancer. Identifiers: Orphanet 227535, MedGen C0346153, MONDO:0016419, OMIM 114480. Disease mechanism: loss of function.

Submission:

Labcorp Genetics (formerly Invitae), Labcorp
Classification: Pathogenic for Familial cancer of breast. Last evaluated: 2024-01-17. Review status: criteria provided, single submitter. Criteria: Invitae Variant Classification Sherloc (09022015). Collection method: clinical testing. Allele origin: germline.
Comment: This variant results in the deletion of exon 3 and part of exon 4 (c.320-3970_455del) of the CHEK2 gene. It is expected to disrupt RNA splicing. Variants that disrupt the donor or acceptor splice site typically lead to a loss of protein function (PMID: 16199547), and loss-of-function variants in CHEK2 are known to be pathogenic (PMID: 21876083, 24713400). This variant has not been reported in the literature in individuals affected with CHEK2-related conditions. ClinVar contains an entry for this variant (Variation ID: 1713222). This variant disrupts the p.Arg145 amino acid residue in CHEK2. Other variant(s) that disrupt this residue have been determined to be pathogenic (PMID: 11298456, 11390408, 11571648, 11719428, 12049740, 15239132, 15535844, 16982735, 22419737, 29356917, 29909963). This suggests that this residue is clinically significant, and that variants that disrupt this residue are likely to be disease-causing. For these reasons, this variant has been classified as Pathogenic.

Literature cited by the submitters: PubMed 16199547; PubMed 21876083; PubMed 24713400; PubMed 11298456; PubMed 11390408; PubMed 11571648; PubMed 11719428; PubMed 12049740; PubMed 15239132; PubMed 15535844; PubMed 16982735; PubMed 22419737; PubMed 29356917; PubMed 29909963.